The following is an entry in ClinVar:

ClinVar aggregate classification (germline): Pathogenic. Review status: criteria provided, multiple submitters, no conflicts (2 of 4 stars). 3 submissions from 3 submitters: Pathogenic (3). Last evaluated 2024-09-23.

Conditions:
46,XY sex reversal 2. Also called: NR0B1-Related 46,XY CGD; NR0B1-related 46,XY complete gonadal dysgenesis; Dosage-sensitive sex reversal; 46,XY SEX REVERSAL, DAX1-RELATED; 46XY sex reversal 2, dosage-sensitive. Identifiers: MedGen C1848296, MONDO:0010226, OMIM 300018.
Congenital adrenal hypoplasia, X-linked (AHC). Also called: Isolated X-Linked Adrenal Hypoplasia Congenita; X-linked AHC; X-Linked Adrenal Hypoplasia Congenita; ADRENAL HYPOPLASIA, CONGENITAL, WITH HYPOGONADOTROPIC HYPOGONADISM. Identifiers: Orphanet 95702, MedGen C0342482, MONDO:0010264, OMIM 300200. Disease mechanism: loss of function.

Submissions (3):

Labcorp Genetics (formerly Invitae), Labcorp
Classification: Pathogenic for Congenital adrenal hypoplasia, X-linked; 46,XY sex reversal 2. Last evaluated: 2024-09-23. Review status: criteria provided, single submitter. Criteria: Invitae Variant Classification Sherloc (09022015). Collection method: clinical testing. Allele origin: germline.
Comment: This sequence change creates a premature translational stop signal (p.Trp172*) in the NR0B1 gene. It is expected to result in an absent or disrupted protein product. Loss-of-function variants in NR0B1 are known to be pathogenic (PMID: 7990958, 15841486). This variant is not present in population databases (gnomAD no frequency). This premature translational stop signal has been observed in individual(s) with congenital adrenal hypoplasia (PMID: 7990958). ClinVar contains an entry for this variant (Variation ID: 460310). For these reasons, this variant has been classified as Pathogenic.

GeneDx
Classification: Pathogenic. Last evaluated: 2024-01-31. Review status: criteria provided, single submitter. Criteria: GeneDx Variant Classification Process June 2021. Collection method: clinical testing. Allele origin: germline. Affected: yes.
Comment: Nonsense variant predicted to result in protein truncation or nonsense mediated decay in a gene for which loss of function is a known mechanism of disease; Not observed at significant frequency in large population cohorts (gnomAD); This variant is associated with the following publications: (PMID: 7990958)

Women's Health and Genetics/Laboratory Corporation of America, LabCorp
Classification: Pathogenic for Congenital adrenal hypoplasia, X-linked. Last evaluated: 2021-04-09. Review status: criteria provided, single submitter. Criteria: LabCorp Variant Classification Summary - May 2015. Collection method: clinical testing. Allele origin: germline.
Comment: Variant summary: NR0B1 c.516G>A (p.Trp172X) results in a premature termination codon, predicted to cause a truncation of the encoded protein or absence of the protein due to nonsense mediated decay, which are commonly known mechanisms for disease. Truncations around- and downstream of this position have been reported in affected individuals (HGMD). The variant was absent in 166051 control chromosomes (gnomAD). c.516G>A has been reported in the literature in at least two families, with multiple male individuals affected with X-Linked Adrenal Hypoplasia Congenita (AHC) (Muscatelli_1994, Merke_1999). These data indicate that the variant is likely to be associated with disease. To our knowledge, no experimental evidence demonstrating an impact on protein function has been reported. One clinical diagnostic laboratory has submitted clinical-significance assessments for this variant to ClinVar after 2014, and classified the variant as pathogenic. Based on the evidence outlined above, the variant was classified as pathogenic.

Literature cited by the submitters: PubMed 7990958 (cited by Labcorp Genetics (formerly Invitae), Labcorp and Women's Health and Genetics/Laboratory Corporation of America, LabCorp); PubMed 15841486 (cited by Labcorp Genetics (formerly Invitae), Labcorp); PubMed 10210708 (cited by Women's Health and Genetics/Laboratory Corporation of America, LabCorp); PubMed 11738790 (cited by Women's Health and Genetics/Laboratory Corporation of America, LabCorp).

NM_000475.5(NR0B1):c.516G>A (p.Trp172Ter)

Gene: NR0B1 (nuclear receptor subfamily 0 group B member 1; minus strand). Cytogenetic location: Xp21.2.
Variant type: single nucleotide variant.
Coding change: c.516G>A on transcript NM_000475.5 (MANE Select); coding-DNA position 516, G replaced by A.
Protein change: p.Trp172Ter; replaces tryptophan 172 with a stop codon.
Molecular consequence: nonsense.
Genome position (GRCh38, 1-based): chrX:30,308,848, C>T on the plus strand (G>A on the coding strand, the complement: NR0B1 is on the minus strand). VCF-style: chrX-30308848-C-T. GRCh37 (hg19) VCF-style: chrX-30326965-C-T.
Other names: short protein forms W172*.
Identifiers: ClinVar variation 460310 (VCV000460310.10), dbSNP rs1555973131, ClinGen allele CA412548596.